The following is an entry in ClinVar:

NM_183050.4(BCKDHB):c.781T>C (p.Ser261Pro)

Gene: BCKDHB (branched chain keto acid dehydrogenase E1 subunit beta; plus strand). Cytogenetic location: 6q14.1.
Variant type: single nucleotide variant.
Coding change: c.781T>C on transcript NM_183050.4 (MANE Select); coding-DNA position 781, T replaced by C.
Protein change: p.Ser261Pro; replaces serine 261 with proline.
Molecular consequence: missense variant. On other transcripts: non-coding transcript variant (6).
Genome position (GRCh38, 1-based): chr6:80,200,972, T>C. VCF-style: chr6-80200972-T-C. GRCh37 (hg19) VCF-style: chr6-80910689-T-C.
Other names: c.781T>C, p.Ser261Pro (NM_000056.5, NM_001424035.1, NM_001424036.1 and 7 more transcripts); c.571T>C, p.Ser191Pro (NM_001318975.1, NM_001424043.1); short protein forms S191P, S261P.
Identifiers: ClinVar variation 3768259 (VCV003768259.1).
Genomic context (GRCh38, chr6:80,200,972, plus strand): 5'-TTTTTTCCTGTTCTGTATTTAGCGGAAGAAGTCCCTATAGAACCATACAACATCCCACTG[T>C]CCCAGGCCGAAGTCATACAGGAAGGGAGTGATGTTACTCTAGTTGCCTGGGGCACTCAGG-3'
Protein context (NP_898871.1, residues 251-271): VPIEPYNIPL[Ser261Pro]QAEVIQEGSD

ClinVar aggregate classification (germline): Uncertain significance (1 of 4 stars; one submission).

Submission:

Women's Health and Genetics/Laboratory Corporation of America, LabCorp
Classification: Uncertain significance. Last evaluated: 2024-12-04. Review status: criteria provided, single submitter. Criteria: LabCorp Variant Classification Summary - May 2015. Collection method: clinical testing. Allele origin: germline.
Comment: Variant summary: BCKDHB c.781T>C (p.Ser261Pro) results in a non-conservative amino acid change located in the TK C-terminal domain-like region (IPR009014) of the encoded protein sequence. Five of five in-silico tools predict a damaging effect of the variant on protein function. The variant was absent in 251078 control chromosomes. The available data on variant occurrences in the general population are insufficient to allow any conclusion about variant significance. c.781T>C has been reported in the literature in at least one compound heterozygous individual affected with classic Maple Syrup Urine Disease (e.g. Ali_2018). These data do not allow any conclusion about variant significance. To our knowledge, no experimental evidence demonstrating an impact on protein function has been reported. The following publication has been ascertained in the context of this evaluation (PMID: 30228974). No submitters have cited clinical-significance assessments for this variant to ClinVar. Based on the evidence outlined above, the variant was classified as uncertain significance.

Literature cited by the submitters: PubMed 30228974.